The following is an entry in ClinVar:

ClinVar aggregate classification (germline): Uncertain significance (1 of 4 stars; one submission).

Conditions:
PCSK1-related disorder. Also called: PCSK1-related condition.

gnomAD v4.1: 1 of 1,614,048 alleles (0.000062%); highest among the groups gnomAD compares: Non-Finnish European, 0.000085%; no homozygotes.

Submission:

PreventionGenetics, part of Exact Sciences
Classification: Uncertain significance for PCSK1-related condition. Last evaluated: 2026-08-05. Review status: criteria provided, single submitter. Criteria: ACMG Guidelines, 2015. Collection method: clinical testing. Allele origin: germline.
Comment: The PCSK1 c.1958G>A variant is predicted to result in the amino acid substitution p.Gly653Asp. To our knowledge, this variant has not been reported in the literature. This variant was observed in a cohort of obese individuals, and in vitro functional studies showed suggestive evidence of loss of function (Supplemental Data Set, Shah et al. 2023. PubMed ID: 36864747).This variant is reported in 0.00088% of alleles in individuals of European (Non-Finnish) descent in gnomAD. At this time, the clinical significance of this variant is uncertain due to the absence of conclusive functional and genetic evidence.

NM_000439.5(PCSK1):c.1958G>A (p.Gly653Asp)

Genes: PCSK1 (proprotein convertase subtilisin/kexin type 1; minus strand), CAST (calpastatin; plus strand), LOC101929710 (uncharacterized LOC101929710; plus strand). Cytogenetic location: 5q15.
Variant type: single nucleotide variant.
Coding change: c.1958G>A on transcript NM_000439.5 (MANE Select); coding-DNA position 1958, G replaced by A.
Protein change: p.Gly653Asp; replaces glycine 653 with aspartic acid.
Molecular consequence: missense variant. On other transcripts: intron variant (11).
Genome position (GRCh38, 1-based): chr5:96,393,305, C>T on the plus strand (G>A on the coding strand, the complement: PCSK1 is on the minus strand). VCF-style: chr5-96393305-C-T. GRCh37 (hg19) VCF-style: chr5-95729009-C-T.
Other names: c.1817G>A, p.Gly606Asp (NM_001177875.2); c.-175+13653C>T (NM_001423254.1, NM_001423259.1, NM_001423255.1 and 6 more transcripts); c.-103+13653C>T (NM_001423253.1); c.-40+13653C>T (NM_001423258.1); short protein forms G606D, G653D.
Identifiers: ClinVar variation 4996856 (VCV004996856.1).